The following is an entry in ClinVar:

ClinVar aggregate classification (germline): Uncertain significance (1 of 4 stars; one submission).

Allele frequency attached by ClinVar (database versions not stated): gnomAD exomes below 0.00001; gnomAD 0.00001.
gnomAD v4.1: 3 of 1,612,662 alleles (0.00019%); highest among the groups gnomAD compares: Non-Finnish European, 0.00025%; no homozygotes.

Submission:

Labcorp Genetics (formerly Invitae), Labcorp
Classification: Uncertain significance. Last evaluated: 2022-09-13. Review status: criteria provided, single submitter. Criteria: Invitae Variant Classification Sherloc (09022015). Collection method: clinical testing. Allele origin: germline.
Comment: In summary, the available evidence is currently insufficient to determine the role of this variant in disease. Therefore, it has been classified as a Variant of Uncertain Significance. Advanced modeling of protein sequence and biophysical properties (such as structural, functional, and spatial information, amino acid conservation, physicochemical variation, residue mobility, and thermodynamic stability) performed at Invitae indicates that this missense variant is not expected to disrupt ASPM protein function. This variant has not been reported in the literature in individuals affected with ASPM-related conditions. This variant is present in population databases (no rsID available, gnomAD 0.002%). This sequence change replaces serine, which is neutral and polar, with proline, which is neutral and non-polar, at codon 2320 of the ASPM protein (p.Ser2320Pro).

NM_018136.5(ASPM):c.6958T>C (p.Ser2320Pro)

Gene: ASPM (assembly factor for spindle microtubules; minus strand). Cytogenetic location: 1q31.3.
Variant type: single nucleotide variant.
Coding change: c.6958T>C on transcript NM_018136.5 (MANE Select); coding-DNA position 6958, T replaced by C.
Protein change: p.Ser2320Pro; replaces serine 2320 with proline.
Molecular consequence: missense variant. On other transcripts: intron variant (1).
Genome position (GRCh38, 1-based): chr1:197,102,293, A>G on the plus strand (T>C on the coding strand, the complement: ASPM is on the minus strand). VCF-style: chr1-197102293-A-G. GRCh37 (hg19) VCF-style: chr1-197071423-A-G.
Other names: c.4066-6129T>C (NM_001206846.2); short protein forms S2320P.
Identifiers: ClinVar variation 1962665 (VCV001962665.5), dbSNP rs1427525049, ClinGen allele CA344020822.
Genomic context (GRCh38, chr1:197,102,293, plus strand): 5'-AAGTAGCAGCCCTGTGCATCTCTCGCATCCTTTTCCTTATCATCCATCTTCTGTATGATG[A>G]CTGGATTTTAATAACTGCATTTTGTACCTGAAGGAACTGTAAGTGATGCTTTGTACAAAG-3'
Protein context (NP_060606.3, residues 2310-2330): QVQNAVIKIQ[Ser2320Pro]SYRRWMIRKR